The following is an entry in ClinVar:

NM_017752.3(TBC1D8B):c.2024_2025insC (p.Ala677fs)

Gene: TBC1D8B (TBC1 domain family member 8B; plus strand). Cytogenetic location: Xq22.3.
Variant type: Insertion.
Coding change: c.2024_2025insC on transcript NM_017752.3 (MANE Select); coding-DNA positions 2024 to 2025, C inserted.
Protein change: p.Ala677fs; shifts the reading frame from alanine 677.
Molecular consequence: frameshift variant.
Genome position: GRCh38 VCF-style: chrX-106850211-T-TC. GRCh37 (hg19) VCF-style: chrX-106093441-T-TC.
Other names: short protein forms A677fs.
Identifiers: ClinVar variation 2661143 (VCV002661143.24), dbSNP rs2521663190, ClinGen allele CA2695197177.

ClinVar aggregate classification (germline): Uncertain significance (1 of 4 stars; one submission).

Submission:

CeGaT Center for Human Genetics Tuebingen
Classification: Uncertain significance. Last evaluated: 2023-10-01. Review status: criteria provided, single submitter. Criteria: CeGaT Center For Human Genetics Tuebingen Variant Classification Criteria Version 2. Collection method: clinical testing. Allele origin: germline. Affected: yes. Observed: 1 variant allele.
Comment: TBC1D8B: PM2, PVS1:Moderate